The following is an entry in ClinVar:

ClinVar aggregate classification (germline): Pathogenic/Likely pathogenic. Review status: criteria provided, multiple submitters, no conflicts (2 of 4 stars). 12 submissions from 12 submitters: Pathogenic (9); Likely pathogenic (1). 2 of the submissions do not count toward it. Last evaluated 2025-07-21.

Conditions:
ASS1-related disorder. Also called: ASS1-related condition.
Citrullinemia. Identifiers: Orphanet 187, MedGen C0175683, MONDO:0015991.
Citrullinemia type I (CTNL1). Also called: ASS DEFICIENCY; argininosuccinate synthetase deficiency. Identifiers: Orphanet 247525, MedGen C4721769, MONDO:0008988, OMIM 215700.

Allele frequency attached by ClinVar (database versions not stated): gnomAD exomes 0.00001; ExAC 0.00002; gnomAD 0.00002; TOPMed 0.00005.
gnomAD v4.1: 98 of 1,613,572 alleles (0.0061%); highest among the groups gnomAD compares: Non-Finnish European, 0.008%; no homozygotes.

Submissions (13):

Natera, Inc.
Classification: Pathogenic for Citrullinemia type I. Last evaluated: 2025-07-21. Review status: criteria provided, single submitter. Criteria: Natera Variant Classification Schema (03/2026). Collection method: clinical testing. Allele origin: germline.
Comment: The c.1194-1G>C variant in ASS1 is a canonical splice acceptor site variant predicted to affect pre-mRNA splicing, which may result in an abnormal transcript and altered protein product. This variant may result in a truncated or dysfunctional protein product. This variant is rare in the general population with a frequency below the threshold expected for the associated phenotype(s). This variant has been observed in one or more individuals affected with the associated recessive disease, as either homozygous or compound heterozygous with a second variant (PMID: 12815590, 2358466, 36939041). Functional studies show that this variant may disrupt protein function (PMID: 2358466). Given the available evidence, this variant is classified as Pathogenic.

PreventionGenetics, part of Exact Sciences
Classification: Pathogenic for ASS1-related condition. Last evaluated: 2025-07-21. Review status: criteria provided, single submitter. Criteria: ACMG Guidelines, 2015. Collection method: clinical testing. Allele origin: germline.
Comment: The ASS1 c.1194-1G>C variant is predicted to disrupt the AG splice acceptor site and interfere with normal splicing. This variant, also known as IVS15-1G>C, has been reported in the homozygous state or with a second pathogenic ASS1 variant in individuals with citrullinemia (Kobayashi et al. 1990. PubMed ID: 2358466; Su et al. 1990. PubMed ID: 2246255; Güçer et al. 2004. PubMed ID: 15334737). Based on RNA studies, the c.1194-1G>C variant was shown to lead to aberrant splicing (Su et al. 1990. PubMed ID: 2246255). Another variant that disrupts the same splice site (c.1194-11_1194-1del) has also been reported in a citrullinemia patient (Kakinoki et al. 1997. PubMed ID: 9090528). This variant is reported in 0.0023% of alleles in individuals of European (Non-Finnish) descent in gnomAD. Other variants that disrupt consensus splice sites in ASS1 have been reported in citrullinemia patients (Human Gene Mutation Database). Taken together, this variant is interpreted as pathogenic.

Labcorp Genetics (formerly Invitae), Labcorp
Classification: Pathogenic for Citrullinemia. Last evaluated: 2024-07-02. Review status: criteria provided, single submitter. Criteria: Invitae Variant Classification Sherloc (09022015). Collection method: clinical testing. Allele origin: germline.
Comment: This sequence change affects an acceptor splice site in intron 15 of the ASS1 gene. RNA analysis indicates that disruption of this splice site induces altered splicing and likely disrupts the C-terminus of the protein. This variant is present in population databases (rs727503814, gnomAD 0.003%). Disruption of this splice site has been observed in individual(s) with citrullinemia (PMID: 2246255, 2358466, 15266621, 15334737, 24889030). ClinVar contains an entry for this variant (Variation ID: 166704). Variants that disrupt the consensus splice site are a relatively common cause of aberrant splicing (PMID: 17576681, 9536098). Studies have shown that disruption of this splice site results in 7 bp deletion of exon 16 and introduces a new termination codon (PMID: 17576681). However the mRNA is not expected to undergo nonsense-mediated decay. For these reasons, this variant has been classified as Pathogenic.

GeneDx
Classification: Pathogenic. Last evaluated: 2024-03-22. Review status: criteria provided, single submitter. Criteria: GeneDx Variant Classification Process June 2021. Collection method: clinical testing. Allele origin: germline. Affected: yes.
Comment: This variant destroys the canonical splice acceptor site in intron 15, and results in abnormal gene splicing (PMID: 2246255); Not observed at significant frequency in large population cohorts (gnomAD); This variant is associated with the following publications: (PMID: 24889030, 2246255, 19006241, 24508627, 15266621, 2358466, 15334737, 36939041, 28111830)

Fulgent Genetics
Classification: Likely pathogenic for Citrullinemia type I. Last evaluated: 2024-02-14. Review status: criteria provided, single submitter. Criteria: ACMG Guidelines, 2015. Collection method: clinical testing. Allele origin: germline.

Revvity Omics, Revvity
Classification: Pathogenic for Citrullinemia type I. Last evaluated: 2021-11-16. Review status: criteria provided, single submitter. Criteria: ACMG Guidelines, 2015. Collection method: clinical testing. Allele origin: germline.

Department of Pathology and Laboratory Medicine, Sinai Health System
Classification: Pathogenic for Citrullinemia type I. Last evaluated: 2021-07-30. Review status: criteria provided, single submitter. Criteria: ACMG Guidelines, 2015. Collection method: research. Allele origin: germline.

Blueprint Genetics
Classification: Pathogenic for ASS1-related disorders. Last evaluated: 2020-11-19. Review status: criteria provided, single submitter. Criteria: ACMG Guidelines, 2015. Collection method: clinical testing. Allele origin: germline. Affected: yes. Observed: 5 variant alleles.

Women's Health and Genetics/Laboratory Corporation of America, LabCorp
Classification: Pathogenic for Citrullinemia. Last evaluated: 2017-01-19. Review status: criteria provided, single submitter. Criteria: LabCorp Variant Classification Summary - May 2015. Collection method: clinical testing. Allele origin: germline.
Comment: Variant summary: The ASS1 c.1194-1G>C variant involves the alteration of a conserved intronic nucleotide located at a position known to affect splicing, which 5/5 splice prediction tools predict a significant impact on normal splicing and ESE finder predicts alterations to ESE binding. A functional study, Su_1990, indicates the variant to affect splicing and cause an elongation of the protein. The variant of interest was observed in the large, broad control population, ExAC, with an allele frequency of 2/121348 (1/60674), which does not exceed the estimated maximal expected allele frequency for a pathogenic ASS1 variant of 1/244. Multiple publications have cited the variant in affected individuals as homozygotes and compound heterozygotes, along with multiple clinical diagnostic laboratories classifying the variant as "likely pathogenic/pathogenic." Therefore, the variant of interest has been classified as "Pathogenic."

Eurofins Ntd Llc (ga)
Classification: Pathogenic. Last evaluated: 2014-04-01. Review status: criteria provided, single submitter. Criteria: EGL Classification Definitions 2015. Collection method: clinical testing. Allele origin: germline. Observed: 3 variant alleles, 2 heterozygotes, 1 homozygote.

Counsyl
Classification: Pathogenic for Citrullinemia type I. Last evaluated: 2017-08-16. Review status: no assertion criteria provided. Collection method: clinical testing. Allele origin: unknown. Not counted in ClinVar's aggregate classification.

OMIM
Classification: Pathogenic for CITRULLINEMIA, CLASSIC. Last evaluated: 2004-08-15. Review status: no assertion criteria provided. Collection method: literature only. Allele origin: germline. Not counted in ClinVar's aggregate classification.

Dr. Peter K. Rogan Lab, Western University
No classification provided (evidence only). Condition: Thyroid cancer, nonmedullary, 1. Review status: no classification provided. Collection method: in vitro. Allele origin: not applicable. Functional consequence: retained intron. Not counted in ClinVar's aggregate classification.

Literature cited by the submitters: PubMed 12815590 (cited by Natera, Inc.); PubMed 2358466 (cited by 5 submitters); PubMed 36939041 (cited by Natera, Inc.); PubMed 2246255 (cited by 4 submitters); PubMed 15266621 (cited by 4 submitters); PubMed 15334737 (cited by 3 submitters); PubMed 24889030 (cited by Labcorp Genetics (formerly Invitae), Labcorp); PubMed 17576681 (cited by Labcorp Genetics (formerly Invitae), Labcorp); PubMed 9536098 (cited by Labcorp Genetics (formerly Invitae), Labcorp).

NM_054012.4(ASS1):c.1194-1G>C

Gene: ASS1 (argininosuccinate synthase 1; plus strand). Cytogenetic location: 9q34.11.
Variant type: single nucleotide variant.
Coding change: c.1194-1G>C on transcript NM_054012.4 (MANE Select); the canonical splice acceptor site of the intron before coding-DNA position 1194, G replaced by C.
Molecular consequence: splice acceptor variant.
Genome position (GRCh38, 1-based): chr9:130,500,975, G>C. VCF-style: chr9-130500975-G-C. GRCh37 (hg19) VCF-style: chr9-133376362-G-C.
Other names: IVS15, G-C, -1; c.1194-1G>C (NM_000050.4).
Identifiers: ClinVar variation 166704 (VCV000166704.31), dbSNP rs727503814, ClinGen allele CA273302.